The following is an entry in ClinVar:

ClinVar aggregate classification (germline): Uncertain significance. Review status: criteria provided, multiple submitters, no conflicts (2 of 4 stars). 2 submissions from 2 submitters: Uncertain significance (2). Last evaluated 2023-09-29.

Conditions:
Inborn genetic diseases. Identifiers: MedGen C0950123, MeSH D030342.

Allele frequency attached by ClinVar (database versions not stated): gnomAD 0.00001; TOPMed 0.00001.
gnomAD v4.1: 2 of 1,613,262 alleles (0.00012%); highest among the groups gnomAD compares: Non-Finnish European, 0.00017%; no homozygotes.

Submissions (2):

Ambry Genetics
Classification: Uncertain significance for Inborn genetic diseases. Last evaluated: 2023-09-29. Review status: criteria provided, single submitter. Criteria: Ambry Variant Classification Scheme 2023. Collection method: clinical testing. Allele origin: germline.

Labcorp Genetics (formerly Invitae), Labcorp
Classification: Uncertain significance. Last evaluated: 2021-04-18. Review status: criteria provided, single submitter. Criteria: Invitae Variant Classification Sherloc (09022015). Collection method: clinical testing. Allele origin: germline.
Comment: This sequence change replaces leucine with phenylalanine at codon 250 of the C6 protein (p.Leu250Phe). The leucine residue is moderately conserved and there is a small physicochemical difference between leucine and phenylalanine. This variant is not present in population databases (ExAC no frequency). This variant has not been reported in the literature in individuals with C6-related conditions. Algorithms developed to predict the effect of missense changes on protein structure and function output the following: SIFT: "Tolerated"; PolyPhen-2: "Benign"; Align-GVGD: "Class C0". The phenylalanine amino acid residue is found in multiple mammalian species, suggesting that this missense change does not adversely affect protein function. These predictions have not been confirmed by published functional studies and their clinical significance is uncertain. In summary, the available evidence is currently insufficient to determine the role of this variant in disease. Therefore, it has been classified as a Variant of Uncertain Significance.

NM_000065.5(C6):c.750G>C (p.Leu250Phe)

Gene: C6 (complement C6; minus strand). Cytogenetic location: 5p13.1.
Variant type: single nucleotide variant.
Coding change: c.750G>C on transcript NM_000065.5 (MANE Select); coding-DNA position 750, G replaced by C.
Protein change: p.Leu250Phe; replaces leucine 250 with phenylalanine.
Molecular consequence: missense variant.
Genome position (GRCh38, 1-based): chr5:41,181,536, C>G on the plus strand (G>C on the coding strand, the complement: C6 is on the minus strand). VCF-style: chr5-41181536-C-G. GRCh37 (hg19) VCF-style: chr5-41181638-C-G.
Other names: c.750G>C, p.Leu250Phe (NM_001115131.4); c.750G>C (NM_000065.2); short protein forms L250F.
Identifiers: ClinVar variation 1444357 (VCV001444357.9), dbSNP rs1406746792, ClinGen allele CA359602264.